The following is an entry in ClinVar:

ClinVar aggregate classification (germline): Uncertain significance. Review status: criteria provided, multiple submitters, no conflicts (2 of 4 stars). 3 submissions from 2 submitters: Uncertain significance (3). Last evaluated 2025-11-03.

Conditions:
Blau syndrome (BLAUS). Also called: GRANULOMATOSIS, FAMILIAL JUVENILE SYSTEMIC; GRANULOMATOSIS, FAMILIAL, BLAU TYPE; GRANULOMATOUS INFLAMMATORY ARTHRITIS, DERMATITIS, AND UVEITIS, FAMILIAL; JABS SYNDROME; ARTHROCUTANEOUVEAL GRANULOMATOSIS. Identifiers: Orphanet 90340, MedGen C5201146, MONDO:0008523, OMIM 186580.
Yao syndrome. Also called: Susceptibility to Yao syndrome. Identifiers: MedGen C4310620, MONDO:0015019, OMIM 617321.
Inflammatory bowel disease 1 (IBD1). Also called: INFLAMMATORY BOWEL DISEASE (CROHN DISEASE) 1; Inflammatory bowel disease 1, Crohn disease. Identifiers: MedGen CN260071, MONDO:0009960, OMIM 266600.
Regional enteritis. Also called: Enteritis, Granulomatous. Identifiers: MedGen C0678202, MeSH D003424.

Allele frequency attached by ClinVar (database versions not stated): TOPMed 0.00002; gnomAD 0.00003 and 0.00004; ExAC 0.00004; gnomAD exomes 0.00004; ESP Exome Variant Server 0.00008.

Submissions (3):

Labcorp Genetics (formerly Invitae), Labcorp
Classification: Uncertain significance for Regional enteritis; Blau syndrome. Last evaluated: 2025-11-03. Review status: criteria provided, single submitter. Criteria: Invitae Variant Classification Sherloc (09022015). Collection method: clinical testing. Allele origin: germline.
Comment: This sequence change replaces threonine, which is neutral and polar, with methionine, which is neutral and non-polar, at codon 596 of the NOD2 protein (p.Thr596Met). This variant is present in population databases (rs142077546, gnomAD 0.01%). This missense change has been observed in individual(s) with uveitis (PMID: 32707200). ClinVar contains an entry for this variant (Variation ID: 827986). Invitae Evidence Modeling of protein sequence and biophysical properties (such as structural, functional, and spatial information, amino acid conservation, physicochemical variation, residue mobility, and thermodynamic stability) indicates that this missense variant is not expected to disrupt NOD2 protein function with a negative predictive value of 95%. In summary, the available evidence is currently insufficient to determine the role of this variant in disease. Therefore, it has been classified as a Variant of Uncertain Significance.

Center for Genomics, Ann and Robert H. Lurie Children's Hospital of Chicago
Classification: Uncertain significance for Blau syndrome. Last evaluated: 2019-03-25. Review status: criteria provided, single submitter. Criteria: ACMG Guidelines, 2015. Collection method: clinical testing. Allele origin: germline.
Comment: NOD2 NM_022162.2 exon 4 p.Thr596Met (c.1787C>T): This variant has not been reported in the literature but is present in 0.01% (2/16228) of African alleles in the Genome Aggregation Database. This variant amino acid Methionine (Met) is present in 3 species and is not well conserved among evolutionarily distant species; this suggests that this variant may not impact the protein. Additional computational prediction tools do not suggest an impact. In summary, data on this variant is insufficient for disease classification. Therefore, the clinical significance of this variant is uncertain.

Center for Genomics, Ann and Robert H. Lurie Children's Hospital of Chicago
Classification: Uncertain significance for Blau syndrome; Yao syndrome; Inflammatory bowel disease 1. Review status: criteria provided, single submitter. Criteria: ACMG Guidelines, 2015. Collection method: clinical testing. Allele origin: germline.
Comment: NOD2 NM_022162.2 exon 4 p.Thr596Met (c.1787C>T): This variant has not been reported in the literature but is present in 0.01% (2/16228) of African alleles in the Genome Aggregation Database. This variant amino acid Methionine (Met) is present in 3 species and is not well conserved among evolutionarily distant species; this suggests that this variant may not impact the protein. Additional computational prediction tools do not suggest an impact. In summary, data on this variant is insufficient for disease classification. Therefore, the clinical significance of this variant is uncertain

Literature cited by the submitters: PubMed 32707200 (cited by Labcorp Genetics (formerly Invitae), Labcorp).

NM_001370466.1(NOD2):c.1706C>T (p.Thr569Met)

Gene: NOD2 (nucleotide binding oligomerization domain containing 2; plus strand). Cytogenetic location: 16q12.1.
Variant type: single nucleotide variant.
Coding change: c.1706C>T on transcript NM_001370466.1 (MANE Select); coding-DNA position 1706, C replaced by T.
Protein change: p.Thr569Met; replaces threonine 569 with methionine.
Molecular consequence: missense variant. On other transcripts: non-coding transcript variant (1).
Genome position (GRCh38, 1-based): chr16:50,711,698, C>T. VCF-style: chr16-50711698-C-T. GRCh37 (hg19) VCF-style: chr16-50745609-C-T.
Other names: c.1706C>T, p.Thr569Met (NM_001293557.2); c.1787C>T, p.Thr596Met (NM_022162.3); short protein forms T569M, T596M.
Identifiers: ClinVar variation 827986 (VCV000827986.13), dbSNP rs142077546, ClinGen allele CA8051625.